The following is an entry in ClinVar:

ClinVar aggregate classification (germline): Likely benign (1 of 4 stars; one submission).

Conditions:
FMNL2-related disorder. Also called: FMNL2-related condition.

gnomAD v4.1: 5 of 1,609,896 alleles (0.00031%); highest among the groups gnomAD compares: South Asian, 0.0055%; no homozygotes.

Submission:

PreventionGenetics, part of Exact Sciences
Classification: Likely benign for FMNL2-related condition. Last evaluated: 2025-09-09. Review status: criteria provided, single submitter. Criteria: ACMG Guidelines, 2015. Collection method: clinical testing. Allele origin: germline.
Comment: This variant is classified as likely benign based on ACMG/AMP sequence variant interpretation guidelines (Richards et al. 2015 PMID: 25741868, with internal and published modifications).

NM_052905.4(FMNL2):c.*3C>G

Gene: FMNL2 (formin like 2; plus strand). Cytogenetic location: 2q23.3.
Variant type: single nucleotide variant.
Coding change: c.*3C>G on transcript NM_052905.4 (MANE Select); 3 bases downstream of the stop codon, C replaced by G.
Molecular consequence: 3 prime UTR variant.
Genome position (GRCh38, 1-based): chr2:152,647,908, C>G. VCF-style: chr2-152647908-C-G. GRCh37 (hg19) VCF-style: chr2-153504422-C-G.
Identifiers: ClinVar variation 4990671 (VCV004990671.1).